The following is an entry in ClinVar:

NM_001372.4(DNAH9):c.1785T>G (p.Leu595=)

Gene: DNAH9 (dynein axonemal heavy chain 9; plus strand). Cytogenetic location: 17p12.
Variant type: single nucleotide variant.
Coding change: c.1785T>G on transcript NM_001372.4 (MANE Select); coding-DNA position 1785, T replaced by G.
Protein change: p.Leu595=; no amino-acid change (leucine 595 retained).
Molecular consequence: synonymous variant.
Genome position (GRCh38, 1-based): chr17:11,636,783, T>G. VCF-style: chr17-11636783-T-G. GRCh37 (hg19) VCF-style: chr17-11540100-T-G.
Identifiers: ClinVar variation 1389146 (VCV001389146.3), dbSNP rs151314858, ClinGen allele CA8394959.
Genomic context (GRCh38, chr17:11,636,783, plus strand): 5'-CAAAGATCTGGATGCAGTGAGGATGATCTACAGTCAGCACGTCCAGGAGGAAGCAGAACT[T>G]GGTAGGCTTGTTAAAGGGGATTTTGATGGGGACATTCTGTTACTGGAAAGAAGCAACTCA-3'
Protein context (NP_001363.2, residues 585-605): YSQHVQEEAE[Leu595=]GFSPVHKNMP

ClinVar aggregate classification (germline): Uncertain significance (1 of 4 stars; one submission).

Allele frequency attached by ClinVar (database versions not stated): gnomAD 0.00020 and 0.00023; ESP Exome Variant Server 0.00023; 1000 Genomes Project 30x 0.00094; 1000 Genomes Project 0.00120.
gnomAD v4.1: 72 of 1,613,762 alleles (0.0045%); highest among the groups gnomAD compares: African/African-American, 0.087%; no homozygotes.

Submission:

Labcorp Genetics (formerly Invitae), Labcorp
Classification: Uncertain significance. Last evaluated: 2022-03-26. Review status: criteria provided, single submitter. Criteria: Invitae Variant Classification Sherloc (09022015). Collection method: clinical testing. Allele origin: germline.
Comment: This sequence change affects codon 595 of the DNAH9 mRNA. It is a 'silent' change, meaning that it does not change the encoded amino acid sequence of the DNAH9 protein. It affects a nucleotide within the consensus splice site. This variant is present in population databases (rs151314858, gnomAD 0.08%). This variant has not been reported in the literature in individuals affected with DNAH9-related conditions. Algorithms developed to predict the effect of sequence changes on RNA splicing suggest that this variant is not likely to affect RNA splicing. In summary, the available evidence is currently insufficient to determine the role of this variant in disease. Therefore, it has been classified as a Variant of Uncertain Significance.